The following is an entry in ClinVar:

NM_003718.5(CDK13):c.2009C>A (p.Thr670Lys)

Gene: CDK13 (cyclin dependent kinase 13; plus strand). Cytogenetic location: 7p14.1.
Variant type: single nucleotide variant.
Coding change: c.2009C>A on transcript NM_003718.5 (MANE Select); coding-DNA position 2009, C replaced by A.
Protein change: p.Thr670Lys; replaces threonine 670 with lysine.
Molecular consequence: missense variant.
Genome position (GRCh38, 1-based): chr7:39,997,631, C>A. VCF-style: chr7-39997631-C-A. GRCh37 (hg19) VCF-style: chr7-40037230-C-A.
Other names: c.2009C>A, p.Thr670Lys (NM_031267.4); short protein forms T670K.
Identifiers: ClinVar variation 2631583 (VCV002631583.1), dbSNP rs34775357, ClinGen allele CA157253186.
Genomic context (GRCh38, chr7:39,997,631, plus strand): 5'-CGCTGCCCCCTGAGCTACCAGGAGGAGATGATCTTTCAAAGAGTCCAGAGGAAAAGAAAA[C>A]AGCAACACAGTTACATAGTAAAAGGAGGCCTAAGTATGTGCTTGCTTTCTACCTGCTCTT-3'
Protein context (NP_003709.3, residues 660-680): DLSKSPEEKK[Thr670Lys]ATQLHSKRRP

ClinVar aggregate classification (germline): Uncertain significance (1 of 4 stars; one submission).

Conditions:
CDK13-related disorder. Also called: CDK13-related condition. Identifiers: MedGen C5816700.

gnomAD v4.1: 2 of 1,613,738 alleles (0.00012%); highest among the groups gnomAD compares: African/African-American, 0.0027%; no homozygotes.

Submission:

PreventionGenetics, part of Exact Sciences
Classification: Uncertain significance for CDK13-related condition. Last evaluated: 2023-08-21. Review status: criteria provided, single submitter. Criteria: ACMG Guidelines, 2015. Collection method: clinical testing. Allele origin: germline.
Comment: The CDK13 c.2009C>A variant is predicted to result in the amino acid substitution p.Thr670Lys. To our knowledge, this variant has not been reported in the literature or in a large population database, indicating this variant is rare. At this time, the clinical significance of this variant is uncertain due to the absence of conclusive functional and genetic evidence.